The following is an entry in ClinVar:

NM_032888.4(COL27A1):c.4971C>A (p.Asp1657Glu)

Gene: COL27A1 (collagen type XXVII alpha 1 chain; plus strand). Cytogenetic location: 9q32.
Variant type: single nucleotide variant.
Coding change: c.4971C>A on transcript NM_032888.4 (MANE Select); coding-DNA position 4971, C replaced by A.
Protein change: p.Asp1657Glu; replaces aspartic acid 1657 with glutamic acid.
Molecular consequence: missense variant.
Genome position (GRCh38, 1-based): chr9:114,306,552, C>A. VCF-style: chr9-114306552-C-A. GRCh37 (hg19) VCF-style: chr9-117068832-C-A.
Other names: c.4971C>A (NM_032888.2); short protein forms D1657E.
Identifiers: ClinVar variation 3703776 (VCV003703776.3).
Genomic context (GRCh38, chr9:114,306,552, plus strand): 5'-CCCAATGACCACCCTCTCCTCGTGACAGAGTTACAGCTATCCAGACCGGCTGGTGCTGGA[C>A]CAGGGAGGAGAGATCTTTAAAACCTTACACTACCTCAGCAACCTCATCCAGAGCATTAAG-3'
Protein context (NP_116277.2, residues 1647-1667): SYSYPDRLVL[Asp1657Glu]QGGEIFKTLH

ClinVar aggregate classification (germline): Uncertain significance. Review status: criteria provided, multiple submitters, no conflicts (2 of 4 stars). 2 submissions from 2 submitters: Uncertain significance (2). Last evaluated 2025-02-04.

Conditions:
Inborn genetic diseases. Identifiers: MedGen C0950123, MeSH D030342.

gnomAD v4.1: 162 of 1,613,868 alleles (0.01%); highest among the groups gnomAD compares: Non-Finnish European, 0.012%; no homozygotes.

Submissions (2):

Ambry Genetics
Classification: Uncertain significance for Inborn genetic diseases. Last evaluated: 2025-02-04. Review status: criteria provided, single submitter. Criteria: Ambry Variant Classification Scheme 2023. Collection method: clinical testing. Allele origin: germline.

Labcorp Genetics (formerly Invitae), Labcorp
Classification: Uncertain significance. Last evaluated: 2024-07-17. Review status: criteria provided, single submitter. Criteria: Invitae Variant Classification Sherloc (09022015). Collection method: clinical testing. Allele origin: germline.
Comment: This sequence change replaces aspartic acid, which is acidic and polar, with glutamic acid, which is acidic and polar, at codon 1657 of the COL27A1 protein (p.Asp1657Glu). This variant is present in population databases (rs756696690, gnomAD 0.009%). This variant has not been reported in the literature in individuals affected with COL27A1-related conditions. Advanced modeling of protein sequence and biophysical properties (such as structural, functional, and spatial information, amino acid conservation, physicochemical variation, residue mobility, and thermodynamic stability) performed at Invitae indicates that this missense variant is not expected to disrupt COL27A1 protein function with a negative predictive value of 80%. In summary, the available evidence is currently insufficient to determine the role of this variant in disease. Therefore, it has been classified as a Variant of Uncertain Significance.